The following is an entry in ClinVar:

NM_005502.4(ABCA1):c.2176G>T (p.Ala726Ser)

Gene: ABCA1 (ATP binding cassette subfamily A member 1; minus strand). Cytogenetic location: 9q31.1.
Variant type: single nucleotide variant.
Coding change: c.2176G>T on transcript NM_005502.4 (MANE Select); coding-DNA position 2176, G replaced by T.
Protein change: p.Ala726Ser; replaces alanine 726 with serine.
Molecular consequence: missense variant.
Genome position (GRCh38, 1-based): chr9:104,827,109, C>A on the plus strand (G>T on the coding strand, the complement: ABCA1 is on the minus strand). VCF-style: chr9-104827109-C-A. GRCh37 (hg19) VCF-style: chr9-107589390-C-A.
Other names: short protein forms A726S.
Identifiers: ClinVar variation 3933308 (VCV003933308.1).

ClinVar aggregate classification (germline): Uncertain significance (1 of 4 stars; one submission).

Conditions:
Cardiovascular phenotype. Identifiers: MedGen CN230736.

gnomAD v4.1: 5 of 1,614,136 alleles (0.00031%); highest among the groups gnomAD compares: Middle Eastern, 0.049%; 1 homozygote.

Submission:

Ambry Genetics
Classification: Uncertain significance for Cardiovascular phenotype. Last evaluated: 2025-05-26. Review status: criteria provided, single submitter. Criteria: Ambry Variant Classification Scheme 2023. Collection method: clinical testing. Allele origin: germline.
Comment: The p.A726S variant (also known as c.2176G>T), located in coding exon 15 of the ABCA1 gene, results from a G to T substitution at nucleotide position 2176. The alanine at codon 726 is replaced by serine, an amino acid with similar properties. This amino acid position is conserved. In addition, this alteration is predicted to be tolerated by in silico analysis. Based on the available evidence, the clinical significance of this variant remains unclear.